The following is an entry in ClinVar:

ClinVar aggregate classification (germline): Uncertain significance (1 of 4 stars; one submission).

Conditions:
Hyperkalemic periodic paralysis. Also called: Familial hyperkalemic periodic paralysis; Gamstorp disease. Identifiers: Orphanet 682, MedGen C0238357, MONDO:0008224, OMIM 170500, HP:0007215.

Allele frequency attached by ClinVar (database versions not stated): gnomAD exomes below 0.00001; ExAC 0.00001.

Submission:

Labcorp Genetics (formerly Invitae), Labcorp
Classification: Uncertain significance for Hyperkalemic periodic paralysis. Last evaluated: 2020-02-15. Review status: criteria provided, single submitter. Criteria: Invitae Variant Classification Sherloc (09022015). Collection method: clinical testing. Allele origin: germline.
Comment: This sequence change replaces valine with phenylalanine at codon 626 of the SCN4A protein (p.Val626Phe). The valine residue is moderately conserved and there is a small physicochemical difference between valine and phenylalanine. This variant is present in population databases (rs774848873, ExAC 0.006%). This variant has not been reported in the literature in individuals with SCN4A-related conditions. Algorithms developed to predict the effect of missense changes on protein structure and function (SIFT, PolyPhen-2, Align-GVGD) all suggest that this variant is likely to be tolerated, but these predictions have not been confirmed by published functional studies and their clinical significance is uncertain. In summary, the available evidence is currently insufficient to determine the role of this variant in disease. Therefore, it has been classified as a Variant of Uncertain Significance.

NM_000334.4(SCN4A):c.1876G>T (p.Val626Phe)

Gene: SCN4A (sodium voltage-gated channel alpha subunit 4; minus strand). Cytogenetic location: 17q23.3.
Variant type: single nucleotide variant.
Coding change: c.1876G>T on transcript NM_000334.4 (MANE Select); coding-DNA position 1876, G replaced by T.
Protein change: p.Val626Phe; replaces valine 626 with phenylalanine.
Molecular consequence: missense variant.
Genome position (GRCh38, 1-based): chr17:63,959,408, C>A on the plus strand (G>T on the coding strand, the complement: SCN4A is on the minus strand). VCF-style: chr17-63959408-C-A. GRCh37 (hg19) VCF-style: chr17-62036768-C-A.
Other names: short protein forms V626F.
Identifiers: ClinVar variation 859327 (VCV000859327.10), dbSNP rs774848873, ClinGen allele CA8709712.